The following is an entry in ClinVar:

ClinVar aggregate classification (germline): Uncertain significance. Review status: criteria provided, multiple submitters, no conflicts (2 of 4 stars). 3 submissions from 3 submitters: Uncertain significance (3). Last evaluated 2024-10-22.

Conditions:
Inborn genetic diseases. Identifiers: MedGen C0950123, MeSH D030342.
Microcephaly-intellectual disability-sensorineural hearing loss-epilepsy-abnormal muscle tone syndrome (NEDHSB). Also called: NEURODEVELOPMENTAL DISORDER WITH HEARING LOSS, SEIZURES, AND BRAIN ABNORMALITIES. Identifiers: Orphanet 457351, MedGen C4225276, MONDO:0014698, OMIM 616577.

Allele frequency attached by ClinVar (database versions not stated): gnomAD exomes 0.00004 and 0.00006; TOPMed 0.00004; gnomAD 0.00005 and 0.00006.
gnomAD v4.1: 98 of 1,600,316 alleles (0.0061%); highest among the groups gnomAD compares: Non-Finnish European, 0.0074%; no homozygotes.

Submissions (3):

Blueprint Genetics
Classification: Uncertain significance. Last evaluated: 2024-10-22. Review status: criteria provided, single submitter. Criteria: ACMG Guidelines, 2015. Collection method: clinical testing. Allele origin: germline.

Ambry Genetics
Classification: Uncertain significance for Inborn genetic diseases. Last evaluated: 2024-01-19. Review status: criteria provided, single submitter. Criteria: Ambry Variant Classification Scheme 2023. Collection method: clinical testing. Allele origin: germline.

Labcorp Genetics (formerly Invitae), Labcorp
Classification: Uncertain significance for Microcephaly-intellectual disability-sensorineural hearing loss-epilepsy-abnormal muscle tone syndrome. Last evaluated: 2022-07-05. Review status: criteria provided, single submitter. Criteria: Invitae Variant Classification Sherloc (09022015). Collection method: clinical testing. Allele origin: germline.
Comment: This sequence change replaces glutamic acid, which is acidic and polar, with valine, which is neutral and non-polar, at codon 367 of the SPATA5 protein (p.Glu367Val). The frequency data for this variant in the population databases is considered unreliable, as metrics indicate poor data quality at this position in the gnomAD database. This variant has not been reported in the literature in individuals affected with SPATA5-related conditions. ClinVar contains an entry for this variant (Variation ID: 475714). Advanced modeling of protein sequence and biophysical properties (such as structural, functional, and spatial information, amino acid conservation, physicochemical variation, residue mobility, and thermodynamic stability) performed at Invitae indicates that this missense variant is expected to disrupt SPATA5 protein function. In summary, the available evidence is currently insufficient to determine the role of this variant in disease. Therefore, it has been classified as a Variant of Uncertain Significance.

NM_145207.3(AFG2A):c.1100A>T (p.Glu367Val)

Gene: AFG2A (AAA ATPase AFG2A; plus strand). Cytogenetic location: 4q28.1.
Variant type: single nucleotide variant.
Coding change: c.1100A>T on transcript NM_145207.3 (MANE Select); coding-DNA position 1100, A replaced by T.
Protein change: p.Glu367Val; replaces glutamic acid 367 with valine.
Molecular consequence: missense variant.
Genome position (GRCh38, 1-based): chr4:122,934,691, A>T. VCF-style: chr4-122934691-A-T. GRCh37 (hg19) VCF-style: chr4-123855846-A-T.
Other names: c.1097A>T, p.Glu366Val (NM_001317799.2, NM_001345856.2); short protein forms E367V, E366V.
Identifiers: ClinVar variation 475714 (VCV000475714.7), dbSNP rs972337890, ClinGen allele CA104813695.